The following is an entry in ClinVar:

ClinVar aggregate classification (germline): Benign. Review status: criteria provided, multiple submitters, no conflicts (2 of 4 stars). 3 submissions from 3 submitters: Benign (2). 1 of the submissions does not count toward it. Last evaluated 2026-01-21.

Conditions:
Hypertrophic cardiomyopathy. Also called: HYPERTROPHIC MYOCARDIOPATHY. Identifiers: Orphanet 217569, MedGen C0007194, MeSH D002312, MONDO:0005045, HP:0001639.
MYOM1-related disorder.

Allele frequency attached by ClinVar (database versions not stated): gnomAD exomes 0.00026 and 0.00066; ExAC 0.00082; gnomAD 0.00279 and 0.00298; TOPMed 0.00321; 1000 Genomes Project 0.00339; 1000 Genomes Project 30x 0.00344; ESP Exome Variant Server 0.00360.
gnomAD v4.1: 808 of 1,613,632 alleles (0.05%); highest among the groups gnomAD compares: African/African-American, 0.98%; 4 homozygotes.

Submissions (3):

Labcorp Genetics (formerly Invitae), Labcorp
Classification: Benign for Hypertrophic cardiomyopathy. Last evaluated: 2026-01-21. Review status: criteria provided, single submitter. Criteria: Invitae Variant Classification Sherloc (09022015). Collection method: clinical testing. Allele origin: germline.

Laboratory for Molecular Medicine, Mass General Brigham Personalized Medicine
Classification: Benign. Last evaluated: 2014-11-24. Review status: criteria provided, single submitter. Criteria: LMM Criteria. Collection method: clinical testing. Allele origin: germline. Observed: 1 variant allele.
Comment: Thr387Ile in exon 8 of MYOM1: This variant is not expected to have clinical sign ificance because it has been identified in 1.1% (42/3744) of African American ch romosomes from a broad population by the NHLBI Exome Sequencing Project (dbSNP rs189973743).

PreventionGenetics, part of Exact Sciences
Classification: Benign for MYOM1-related condition. Last evaluated: 2019-10-28. Review status: no assertion criteria provided. Collection method: clinical testing. Allele origin: germline. Not counted in ClinVar's aggregate classification.
Comment: This variant is classified as benign based on ACMG/AMP sequence variant interpretation guidelines (Richards et al. 2015 PMID: 25741868, with internal and published modifications).

NM_003803.4(MYOM1):c.1160C>T (p.Thr387Ile)

Gene: MYOM1 (myomesin 1; minus strand). Cytogenetic location: 18p11.31.
Variant type: single nucleotide variant.
Coding change: c.1160C>T on transcript NM_003803.4 (MANE Select); coding-DNA position 1160, C replaced by T.
Protein change: p.Thr387Ile; replaces threonine 387 with isoleucine.
Molecular consequence: missense variant.
Genome position (GRCh38, 1-based): chr18:3,173,952, G>A on the plus strand (C>T on the coding strand, the complement: MYOM1 is on the minus strand). VCF-style: chr18-3173952-G-A. GRCh37 (hg19) VCF-style: chr18-3173950-G-A.
Other names: c.1160C>T, p.Thr387Ile (NM_019856.2); short protein forms T387I.
Identifiers: ClinVar variation 416047 (VCV000416047.19), dbSNP rs189973743, ClinGen allele CA8875031.